The following is an entry in ClinVar:

ClinVar aggregate classification (germline): Uncertain significance (1 of 4 stars; one submission).

Conditions:
Familial focal epilepsy with variable foci (FPEVF). Identifiers: Orphanet 98820, MedGen C1858477, MONDO:0020310.

Submission:

Labcorp Genetics (formerly Invitae), Labcorp
Classification: Uncertain significance for Familial focal epilepsy with variable foci. Last evaluated: 2018-11-07. Review status: criteria provided, single submitter. Criteria: Invitae Variant Classification Sherloc (09022015). Collection method: clinical testing. Allele origin: germline.
Comment: In summary, the available evidence is currently insufficient to determine the role of this variant in disease. Therefore, it has been classified as a Variant of Uncertain Significance. Algorithms developed to predict the effect of missense changes on protein structure and function (SIFT, PolyPhen-2, Align-GVGD) all suggest that this variant is likely to be tolerated, but these predictions have not been confirmed by published functional studies and their clinical significance is uncertain. This variant has not been reported in the literature in individuals with DEPDC5-related disease. This variant is not present in population databases (ExAC no frequency). This sequence change replaces histidine with glutamine at codon 887 of the DEPDC5 protein (p.His887Gln). The histidine residue is highly conserved and there is a small physicochemical difference between histidine and glutamine.

NM_001242896.3(DEPDC5):c.2661C>A (p.His887Gln)

Gene: DEPDC5 (DEP domain containing 5, GATOR1 subcomplex subunit; plus strand). Cytogenetic location: 22q12.3.
Variant type: single nucleotide variant.
Coding change: c.2661C>A on transcript NM_001242896.3 (MANE Select); coding-DNA position 2661, C replaced by A.
Protein change: p.His887Gln; replaces histidine 887 with glutamine.
Molecular consequence: missense variant. On other transcripts: non-coding transcript variant (5).
Genome position (GRCh38, 1-based): chr22:31,843,672, C>A. VCF-style: chr22-31843672-C-A. GRCh37 (hg19) VCF-style: chr22-32239658-C-A.
Other names: c.2634C>A, p.His878Gln (NM_001136029.4, NM_001369903.1, NM_014662.6); c.2427C>A, p.His809Gln (NM_001242897.2, NM_001363854.2, NM_001364319.2); c.2661C>A, p.His887Gln (NM_001363852.2, NM_001364318.2, NM_001364320.2); c.2577C>A, p.His859Gln (NM_001369901.1, NM_001369902.1); short protein forms H887Q, H809Q, H859Q, H878Q.
Identifiers: ClinVar variation 534789 (VCV000534789.11), dbSNP rs1555899801, ClinGen allele CA411289677.